The following is an entry in ClinVar:

NM_058216.3(RAD51C):c.83dup (p.Ser29fs)

Gene: RAD51C (RAD51 paralog C; plus strand). Cytogenetic location: 17q22.
Variant type: Duplication.
Coding change: c.83dup on transcript NM_058216.3 (MANE Select); coding-DNA position 83, one base duplicated (T; older notation c.83dupT).
Protein change: p.Ser29fs; shifts the reading frame from serine 29.
Molecular consequence: frameshift variant. On other transcripts: non-coding transcript variant (1).
Genome position (GRCh38, 1-based): chr17:58,692,726, T duplicated. VCF-style (leftmost placement, unchanged base first): chr17-58692725-G-GT. GRCh37 (hg19) VCF-style: chr17-56770086-G-GT.
Other names: c.83dup, p.Ser29fs (NM_002876.4); c.83dup, p.Ser29Valfs (NM_058217.1); short protein forms S29fs.
Identifiers: ClinVar variation 2785995 (VCV002785995.3), dbSNP rs2509261635, ClinGen allele CA2739265730.

ClinVar aggregate classification (germline): Pathogenic (1 of 4 stars; one submission).

Conditions:
Fanconi anemia complementation group O. Also called: RAD51C-Related Fanconi Anemia. Identifiers: Orphanet 84, MedGen C3150653, MONDO:0013248, OMIM 613390.

Submission:

Labcorp Genetics (formerly Invitae), Labcorp
Classification: Pathogenic for Fanconi anemia complementation group O. Last evaluated: 2023-07-08. Review status: criteria provided, single submitter. Criteria: Invitae Variant Classification Sherloc (09022015). Collection method: clinical testing. Allele origin: germline.
Comment: This variant is not present in population databases (gnomAD no frequency). This variant has not been reported in the literature in individuals affected with RAD51C-related conditions. Algorithms developed to predict the effect of sequence changes on RNA splicing suggest that this variant may disrupt the consensus splice site. For these reasons, this variant has been classified as Pathogenic. This sequence change creates a premature translational stop signal (p.Ser29Valfs*8) in the RAD51C gene. It is expected to result in an absent or disrupted protein product. Loss-of-function variants in RAD51C are known to be pathogenic (PMID: 20400964, 21990120, 24800917, 29278735).

Literature cited by the submitters: PubMed 20400964; PubMed 21990120; PubMed 24800917; PubMed 29278735.